The following is an entry in ClinVar:

ClinVar aggregate classification (germline): Pathogenic (1 of 4 stars; one submission).

Conditions:
Cohen syndrome (COH1). Also called: PEPPER SYNDROME; Cutis verticis gyrata, retinitis pigmentosa, and sensorineural deafness. Identifiers: Orphanet 193, MedGen C0265223, MONDO:0008999, OMIM 216550.

Submission:

Cellular and Molecular Research Center, Cellular and Molecular Medicine Research Institute,, Urmia University of Medical Sciences
Classification: Pathogenic for Cohen syndrome. Last evaluated: 2026-10-14. Review status: criteria provided, single submitter. Criteria: ACMG Guidelines, 2015. Collection method: clinical testing. Allele origin: germline. Inheritance: Autosomal recessive inheritance. Affected: yes. Observed: 1 variant allele, 1 homozygote.
Comment: The VPS13B gene (OMIM: 607817), also known as COH1, is located on chromosome 8q22.2 and encodes a large protein involved in intracellular membrane trafficking, Golgi apparatus organization, and protein sorting. VPS13B plays an important role in maintaining Golgi structure and normal cellular function. Cohen syndrome was first described in 1973. However, its molecular genetic basis was established in 2003, when Kolehmainen et al. identified mutations in the COH1 gene, subsequently renamed VPS13B, in individuals with Cohen syndrome. Genetic testing identified a homozygous canonical splice-site variant in VPS13B (NM_152564.5:exon30:c.4745+2T>A; chr8:99521012). The variant is classified as pathogenic in ClinVar and as likely pathogenic in VarSome. As a variant at the +2 position of the donor splice site, it is predicted to disrupt splicing and cause loss of function, which is the established disease mechanism in VPS13B. Together with its segregation in the family and the patient’s compatible phenotype (microcephaly, developmental delay, joint laxity), this study supports its classification as pathogenic.

Literature cited by the submitters: DOI 10.1086/375454.

NM_152564.5(VPS13B):c.4745+2T>A

Gene: VPS13B (vacuolar protein sorting 13 homolog B; plus strand). Cytogenetic location: 8q22.2.
Variant type: single nucleotide variant.
Coding change: c.4745+2T>A on transcript NM_152564.5 (MANE Select); the canonical splice donor site of the intron after coding-DNA position 4745, T replaced by A.
Molecular consequence: splice donor variant.
Genome position (GRCh38, 1-based): chr8:99,521,012, T>A. VCF-style: chr8-99521012-T-A. GRCh37 (hg19) VCF-style: chr8-100533240-T-A.
Other names: c.4820+2T>A (NM_017890.5).
Identifiers: ClinVar variation 5042600 (VCV005042600.1).